The following is an entry in ClinVar:

NM_000493.4(COL10A1):c.1875T>A (p.Tyr625Ter)

Genes: COL10A1 (collagen type X alpha 1 chain; minus strand), NT5DC1 (5'-nucleotidase domain containing 1; plus strand). Cytogenetic location: 6q22.1.
Variant type: single nucleotide variant.
Coding change: c.1875T>A on transcript NM_000493.4 (MANE Select); coding-DNA position 1875, T replaced by A.
Protein change: p.Tyr625Ter; replaces tyrosine 625 with a stop codon.
Molecular consequence: nonsense. On other transcripts: intron variant (1).
Genome position (GRCh38, 1-based): chr6:116,120,241, A>T on the plus strand (T>A on the coding strand, the complement: COL10A1 is on the minus strand). VCF-style: chr6-116120241-A-T. GRCh37 (hg19) VCF-style: chr6-116441404-A-T.
Other names: c.1875T>A, p.Tyr625Ter (NM_001424106.1, NM_001424107.1); c.529+2296A>T (NM_152729.3); short protein forms Y625*.
Identifiers: ClinVar variation 1515997 (VCV001515997.1), dbSNP rs748777581, ClinGen allele CA365386561.

ClinVar aggregate classification (germline): Likely pathogenic (1 of 4 stars; one submission).

Submission:

Labcorp Genetics (formerly Invitae), Labcorp
Classification: Likely pathogenic. Last evaluated: 2021-09-15. Review status: criteria provided, single submitter. Criteria: Invitae Variant Classification Sherloc (09022015). Collection method: clinical testing. Allele origin: germline.
Comment: This sequence change creates a premature translational stop signal (p.Tyr625*) in the COL10A1 gene. While this is not anticipated to result in nonsense mediated decay, it is expected to disrupt the last 56 amino acid(s) of the COL10A1 protein. This variant is not present in population databases (ExAC no frequency). This premature translational stop signal has been observed in individual(s) with clinical features of COL10A1-related conditions (Invitae). In at least one individual the variant was observed to be de novo. Algorithms developed to predict the effect of sequence changes on RNA splicing suggest that this variant may create or strengthen a splice site. In summary, the currently available evidence indicates that the variant is pathogenic, but additional data are needed to prove that conclusively. Therefore, this variant has been classified as Likely Pathogenic.